The following is an entry in ClinVar:

NM_006891.4(CRYGD):c.86A>G (p.Tyr29Cys)

Genes: CRYGD (crystallin gamma D; minus strand), LOC100507443 (uncharacterized LOC100507443; plus strand). Cytogenetic location: 2q33.3.
Variant type: single nucleotide variant.
Coding change: c.86A>G on transcript NM_006891.4 (MANE Select); coding-DNA position 86, A replaced by G.
Protein change: p.Tyr29Cys; replaces tyrosine 29 with cysteine.
Molecular consequence: missense variant.
Genome position (GRCh38, 1-based): chr2:208,124,278, T>C on the plus strand (A>G on the coding strand, the complement: CRYGD is on the minus strand). VCF-style: chr2-208124278-T-C. GRCh37 (hg19) VCF-style: chr2-208989002-T-C.
Other names: short protein forms Y29C.
Identifiers: ClinVar variation 1422350 (VCV001422350.6), dbSNP rs1430734755, ClinGen allele CA350092808.
Genomic context (GRCh38, chr2:208,124,278, plus strand): 5'-GGCTGCTCATAGAGCATCCAGCAGCCGCTGTCCACGCGCGCCGAGTTGCAGCGGCTCAAG[T>C]AGGGCTGCAGGTTGGGGTGGTCGCTGCTGCATTCATAGTGGCGGCCCTGGAAGCCCCGGT-3'
Protein context (NP_008822.2, residues 19-39): CSSDHPNLQP[Tyr29Cys]LSRCNSARVD

ClinVar aggregate classification (germline): Uncertain significance (1 of 4 stars; one submission).

Conditions:
Aculeiform cataract (CTRCT4). Also called: Fasciculiform cataract; Frosted cataract; Needle-shaped cataract. Identifiers: MedGen C1861832, HP:0010926.

Allele frequency attached by ClinVar (database versions not stated): gnomAD exomes 0.00002 and 0.00004; TOPMed 0.00002; gnomAD 0.00003 and 0.00004.
gnomAD v4.1: 64 of 1,611,674 alleles (0.004%); highest among the groups gnomAD compares: Middle Eastern, 0.017%; no homozygotes.

Submission:

Labcorp Genetics (formerly Invitae), Labcorp
Classification: Uncertain significance for Aculeiform cataract. Last evaluated: 2025-02-23. Review status: criteria provided, single submitter. Criteria: Invitae Variant Classification Sherloc (09022015). Collection method: clinical testing. Allele origin: germline.
Comment: This sequence change replaces tyrosine, which is neutral and polar, with cysteine, which is neutral and slightly polar, at codon 29 of the CRYGD protein (p.Tyr29Cys). This variant is present in population databases (no rsID available, gnomAD 0.004%). This variant has not been reported in the literature in individuals affected with CRYGD-related conditions. ClinVar contains an entry for this variant (Variation ID: 1422350). An algorithm developed to predict the effect of missense changes on protein structure and function (PolyPhen-2) suggests that this variant is likely to be tolerated. In summary, the available evidence is currently insufficient to determine the role of this variant in disease. Therefore, it has been classified as a Variant of Uncertain Significance.